The following is an entry in ClinVar:

NM_000081.4(LYST):c.4513A>G (p.Ile1505Val)

Gene: LYST (lysosomal trafficking regulator; minus strand). Cytogenetic location: 1q42.3.
Variant type: single nucleotide variant.
Coding change: c.4513A>G on transcript NM_000081.4 (MANE Select); coding-DNA position 4513, A replaced by G.
Protein change: p.Ile1505Val; replaces isoleucine 1505 with valine.
Molecular consequence: missense variant.
Genome position (GRCh38, 1-based): chr1:235,791,729, T>C on the plus strand (A>G on the coding strand, the complement: LYST is on the minus strand). VCF-style: chr1-235791729-T-C. GRCh37 (hg19) VCF-style: chr1-235955029-T-C.
Other names: c.4513A>G (NM_000081.2); c.4513A>G, p.Ile1505Val (NM_001301365.1); short protein forms I1505V.
Identifiers: ClinVar variation 807915 (VCV000807915.54), dbSNP rs756527927, ClinGen allele CA1466840.

ClinVar aggregate classification (germline): Uncertain significance. Review status: criteria provided, multiple submitters, no conflicts (2 of 4 stars). 4 submissions from 4 submitters: Uncertain significance (4). Last evaluated 2025-12-26.

Conditions:
Chédiak-Higashi syndrome (CHS). Also called: Chediak-Higashi Syndrome. Identifiers: Orphanet 167, MedGen C0007965, MONDO:0008963, OMIM 214500.

Allele frequency attached by ClinVar (database versions not stated): gnomAD exomes 0.00006 and 0.00022; ExAC 0.00007; TOPMed 0.00007; gnomAD 0.00009 and 0.00011.
gnomAD v4.1: 326 of 1,613,088 alleles (0.02%); highest among the groups gnomAD compares: Middle Eastern, 0.049%; no homozygotes.

Submissions (4):

GeneDx
Classification: Uncertain significance. Last evaluated: 2025-12-26. Review status: criteria provided, single submitter. Criteria: GeneDx Variant Classification Process June 2021. Collection method: clinical testing. Allele origin: germline. Affected: yes.
Comment: Has not been previously published as pathogenic or benign to our knowledge; In silico analysis supports that this missense variant does not alter protein structure/function

Labcorp Genetics (formerly Invitae), Labcorp
Classification: Uncertain significance for Chédiak-Higashi syndrome. Last evaluated: 2022-07-19. Review status: criteria provided, single submitter. Criteria: Invitae Variant Classification Sherloc (09022015). Collection method: clinical testing. Allele origin: germline.
Comment: This sequence change replaces isoleucine, which is neutral and non-polar, with valine, which is neutral and non-polar, at codon 1505 of the LYST protein (p.Ile1505Val). This variant is present in population databases (rs756527927, gnomAD 0.02%). This variant has not been reported in the literature in individuals affected with LYST-related conditions. ClinVar contains an entry for this variant (Variation ID: 807915). Algorithms developed to predict the effect of missense changes on protein structure and function output the following: SIFT: "Tolerated"; PolyPhen-2: "Benign"; Align-GVGD: "Class C0". The valine amino acid residue is found in multiple mammalian species, which suggests that this missense change does not adversely affect protein function. In summary, the available evidence is currently insufficient to determine the role of this variant in disease. Therefore, it has been classified as a Variant of Uncertain Significance.

Mayo Clinic Laboratories, Mayo Clinic
Classification: Uncertain significance. Last evaluated: 2020-01-31. Review status: criteria provided, single submitter. Criteria: ACMG Guidelines, 2015. Collection method: clinical testing. Allele origin: germline. Observed: 1 variant allele.

CeGaT Center for Human Genetics Tuebingen
Classification: Uncertain significance. Last evaluated: 2017-09-01. Review status: criteria provided, single submitter. Criteria: CeGaT Center For Human Genetics Tuebingen Variant Classification Criteria Version 2. Collection method: clinical testing. Allele origin: germline. Affected: yes. Observed: 1 variant allele.